The following is an entry in ClinVar:

NM_032482.3(DOT1L):c.4279T>A (p.Phe1427Ile)

Gene: DOT1L (DOT1 like histone lysine methyltransferase; plus strand). Cytogenetic location: 19p13.3.
Variant type: single nucleotide variant.
Coding change: c.4279T>A on transcript NM_032482.3 (MANE Select); coding-DNA position 4279, T replaced by A.
Protein change: p.Phe1427Ile; replaces phenylalanine 1427 with isoleucine.
Molecular consequence: missense variant.
Genome position (GRCh38, 1-based): chr19:2,226,800, T>A. VCF-style: chr19-2226800-T-A. GRCh37 (hg19) VCF-style: chr19-2226799-T-A.
Other names: c.4279T>A, p.Phe1427Ile (NM_001411141.1); short protein forms F1427I.
Identifiers: ClinVar variation 5007928 (VCV005007928.1).

ClinVar aggregate classification (germline): Uncertain significance (1 of 4 stars; one submission).

Submission:

GeneDx
Classification: Uncertain significance. Last evaluated: 2026-02-24. Review status: criteria provided, single submitter. Criteria: GeneDx Variant Classification Process June 2021. Collection method: clinical testing. Allele origin: germline.
Comment: Not observed at significant frequency in large population cohorts (gnomAD); In silico analysis supports that this missense variant has a deleterious effect on protein structure/function; Has not been previously published as pathogenic or benign to our knowledge